The following is an entry in ClinVar:

ClinVar aggregate classification (germline): Conflicting classifications of pathogenicity. Review status: criteria provided, conflicting classifications (1 of 4 stars). 4 submissions from 4 submitters: Uncertain significance (3); Likely benign (1). Last evaluated 2024-10-16.

Conditions:
Inborn genetic diseases. Identifiers: MedGen C0950123, MeSH D030342.
Adams-Oliver syndrome 4 (AOS4). Identifiers: Orphanet 974, MedGen C3809092, MONDO:0014124, OMIM 615297.

Allele frequency attached by ClinVar (database versions not stated): gnomAD exomes 0.00008 and 0.00015; TOPMed 0.00009; gnomAD 0.00010 and 0.00011; ExAC 0.00013; ESP Exome Variant Server 0.00023; 1000 Genomes Project 30x 0.00031; 1000 Genomes Project 0.00040.

Submissions (4):

Blueprint Genetics
Classification: Uncertain significance. Last evaluated: 2024-10-16. Review status: criteria provided, single submitter. Criteria: ACMG Guidelines, 2015. Collection method: clinical testing. Allele origin: germline.

Ambry Genetics
Classification: Likely benign for Inborn genetic diseases. Last evaluated: 2024-07-08. Review status: criteria provided, single submitter. Criteria: Ambry Variant Classification Scheme 2023. Collection method: clinical testing. Allele origin: germline.

GeneDx
Classification: Uncertain significance. Last evaluated: 2024-06-24. Review status: criteria provided, single submitter. Criteria: GeneDx Variant Classification Process June 2021. Collection method: clinical testing. Allele origin: germline. Affected: yes.
Comment: Observed in a large cohort of individuals with amyotrophic lateral sclerosis undergoing whole genome sequencing, however the variant was also present in control subjects (PMID: 31724708); Not observed at significant frequency in large population cohorts (gnomAD); In silico analysis indicates that this missense variant does not alter protein structure/function; This variant is associated with the following publications: (PMID: 31724708)

Labcorp Genetics (formerly Invitae), Labcorp
Classification: Uncertain significance for Adams-Oliver syndrome 4. Last evaluated: 2023-08-10. Review status: criteria provided, single submitter. Criteria: Invitae Variant Classification Sherloc (09022015). Collection method: clinical testing. Allele origin: germline.
Comment: This sequence change replaces threonine, which is neutral and polar, with serine, which is neutral and polar, at codon 59 of the EOGT protein (p.Thr59Ser). This variant is present in population databases (rs139295083, gnomAD 0.01%). This variant has not been reported in the literature in individuals affected with EOGT-related conditions. ClinVar contains an entry for this variant (Variation ID: 639398). Advanced modeling of protein sequence and biophysical properties (such as structural, functional, and spatial information, amino acid conservation, physicochemical variation, residue mobility, and thermodynamic stability) performed at Invitae indicates that this missense variant is not expected to disrupt EOGT protein function. In summary, the available evidence is currently insufficient to determine the role of this variant in disease. Therefore, it has been classified as a Variant of Uncertain Significance.

NM_001278689.2(EOGT):c.176C>G (p.Thr59Ser)

Gene: EOGT (EGF domain specific O-linked N-acetylglucosamine transferase; minus strand). Cytogenetic location: 3p14.1.
Variant type: single nucleotide variant.
Coding change: c.176C>G on transcript NM_001278689.2 (MANE Select); coding-DNA position 176, C replaced by G.
Protein change: p.Thr59Ser; replaces threonine 59 with serine.
Molecular consequence: missense variant. On other transcripts: non-coding transcript variant (1).
Genome position (GRCh38, 1-based): chr3:69,009,671, G>C on the plus strand (C>G on the coding strand, the complement: EOGT is on the minus strand). VCF-style: chr3-69009671-G-C. GRCh37 (hg19) VCF-style: chr3-69058822-G-C.
Other names: c.176C>G, p.Thr59Ser (NM_173654.3); c.176C>G (NM_173654.2, NM_173654.1); short protein forms T59S.
Identifiers: ClinVar variation 639398 (VCV000639398.9), dbSNP rs139295083, ClinGen allele CA2487033.